The following is an entry in ClinVar:

NM_000222.3(KIT):c.1687A>T (p.Ile563Leu)

Gene: KIT (KIT proto-oncogene, receptor tyrosine kinase; plus strand). Cytogenetic location: 4q12.
Variant type: single nucleotide variant.
Coding change: c.1687A>T on transcript NM_000222.3 (MANE Select); coding-DNA position 1687, A replaced by T.
Protein change: p.Ile563Leu; replaces isoleucine 563 with leucine.
Molecular consequence: missense variant.
Genome position (GRCh38, 1-based): chr4:54,727,455, A>T. VCF-style: chr4-54727455-A-T. GRCh37 (hg19) VCF-style: chr4-55593621-A-T.
Other names: c.1675A>T, p.Ile559Leu (NM_001093772.2, NM_001385286.1); c.1690A>T, p.Ile564Leu (NM_001385284.1, NM_001385290.1); c.1687A>T, p.Ile563Leu (NM_001385285.1); c.1678A>T, p.Ile560Leu (NM_001385288.1, NM_001385292.1); short protein forms I560L, I563L, I559L, I564L.
Identifiers: ClinVar variation 3864522 (VCV003864522.1).
Genomic context (GRCh38, chr4:54,727,455, plus strand): 5'-TTTTTCCCTTTCTCCCCACAGAAACCCATGTATGAAGTACAGTGGAAGGTTGTTGAGGAG[A>T]TAAATGGAAACAATTATGTTTACATAGACCCAACACAACTTCCTTATGATCACAAATGGG-3'
Protein context (NP_000213.1, residues 553-573): YEVQWKVVEE[Ile563Leu]NGNNYVYIDP

ClinVar aggregate classification (germline): Uncertain significance (1 of 4 stars; one submission).

Conditions:
Hereditary cancer-predisposing syndrome. Also called: Hereditary neoplastic syndrome; Neoplastic Syndromes, Hereditary; Tumor predisposition; Hereditary Cancer Syndrome. Identifiers: Orphanet 140162, MedGen C0027672, MeSH D009386, MONDO:0015356.

Submission:

Ambry Genetics
Classification: Uncertain significance for Hereditary cancer-predisposing syndrome. Last evaluated: 2025-01-02. Review status: criteria provided, single submitter. Criteria: Ambry Variant Classification Scheme 2023. Collection method: clinical testing. Allele origin: germline.
Comment: The p.I563L variant (also known as c.1687A>T), located in coding exon 11 of the KIT gene, results from an A to T substitution at nucleotide position 1687. The isoleucine at codon 563 is replaced by leucine, an amino acid with highly similar properties. This amino acid position is well conserved in available vertebrate species. In addition, the in silico prediction for this alteration is inconclusive. Based on the available evidence, the clinical significance of this variant remains unclear.